The following is an entry in ClinVar:

NM_003238.6(TGFB2):c.628T>C (p.Trp210Arg)

Gene: TGFB2 (transforming growth factor beta 2; plus strand). Cytogenetic location: 1q41.
Variant type: single nucleotide variant.
Coding change: c.628T>C on transcript NM_003238.6 (MANE Select); coding-DNA position 628, T replaced by C.
Protein change: p.Trp210Arg; replaces tryptophan 210 with arginine.
Molecular consequence: missense variant. On other transcripts: non-coding transcript variant (2).
Genome position (GRCh38, 1-based): chr1:218,434,199, T>C. VCF-style: chr1-218434199-T-C. GRCh37 (hg19) VCF-style: chr1-218607541-T-C.
Other names: c.712T>C, p.Trp238Arg (NM_001135599.4); short protein forms W210R, W238R.
Identifiers: ClinVar variation 4744029 (VCV004744029.1).

ClinVar aggregate classification (germline): Uncertain significance (1 of 4 stars; one submission).

Conditions:
Loeys-Dietz syndrome 4 (LDS4). Also called: ANEURYSM, AORTIC AND CEREBRAL, WITH ARTERIAL TORTUOSITY AND SKELETAL MANIFESTATIONS; TGFB2-Related Loeys-Dietz Syndrome. Identifiers: MedGen C3553762, MONDO:0013897, OMIM 614816.

Submission:

Labcorp Genetics (formerly Invitae), Labcorp
Classification: Uncertain significance for Loeys-Dietz syndrome 4. Last evaluated: 2025-09-10. Review status: criteria provided, single submitter. Criteria: Invitae Variant Classification Sherloc (09022015). Collection method: clinical testing. Allele origin: germline.
Comment: This sequence change replaces tryptophan, which is neutral and slightly polar, with arginine, which is basic and polar, at codon 210 of the TGFB2 protein (p.Trp210Arg). This variant is not present in population databases (gnomAD no frequency). This variant has not been reported in the literature in individuals affected with TGFB2-related conditions. Invitae Evidence Modeling of protein sequence and biophysical properties (such as structural, functional, and spatial information, amino acid conservation, physicochemical variation, residue mobility, and thermodynamic stability) indicates that this missense variant is not expected to disrupt TGFB2 protein function with a negative predictive value of 80%. In summary, the available evidence is currently insufficient to determine the role of this variant in disease. Therefore, it has been classified as a Variant of Uncertain Significance.